The following is an entry in ClinVar:

ClinVar aggregate classification (germline): Likely benign (1 of 4 stars; one submission).

Submission:

CeGaT Center for Human Genetics Tuebingen
Classification: Likely benign. Last evaluated: 2026-01-01. Review status: criteria provided, single submitter. Criteria: CeGaT Center For Human Genetics Tuebingen Variant Classification Criteria Version 2. Collection method: clinical testing. Allele origin: germline. Affected: yes. Observed: 1 variant allele.
Comment: BHLHA9: BP4, BP7

NM_001164405.2(BHLHA9):c.480C>T (p.Leu160=)

Gene: BHLHA9 (basic helix-loop-helix family member a9; plus strand). Cytogenetic location: 17p13.3.
Variant type: single nucleotide variant.
Coding change: c.480C>T on transcript NM_001164405.2 (MANE Select); coding-DNA position 480, C replaced by T.
Protein change: p.Leu160=; no amino-acid change (leucine 160 retained).
Molecular consequence: synonymous variant.
Genome position (GRCh38, 1-based): chr17:1,271,043, C>T. VCF-style: chr17-1271043-C-T. GRCh37 (hg19) VCF-style: chr17-1174337-C-T.
Identifiers: ClinVar variation 4821790 (VCV004821790.4).